The following is an entry in ClinVar:

NM_000548.5(TSC2):c.576C>G (p.Asp192Glu)

Gene: TSC2 (TSC complex subunit 2; plus strand). Cytogenetic location: 16p13.3.
Variant type: single nucleotide variant.
Coding change: c.576C>G on transcript NM_000548.5 (MANE Select); coding-DNA position 576, C replaced by G.
Protein change: p.Asp192Glu; replaces aspartic acid 192 with glutamic acid.
Molecular consequence: missense variant. On other transcripts: 5 prime UTR variant (13), non-coding transcript variant (5), intron variant (6).
Genome position (GRCh38, 1-based): chr16:2,055,496, C>G. VCF-style: chr16-2055496-C-G. GRCh37 (hg19) VCF-style: chr16-2105497-C-G.
Other names: c.576C>G, p.Asp192Glu (NM_001077183.3, NM_001114382.3, NM_001363528.2 and 8 more transcripts); c.465C>G, p.Asp155Glu (NM_001318827.2, NM_001406670.1, NM_001406678.1); c.429C>G, p.Asp143Glu (NM_001318829.2, NM_001406675.1, NM_001406676.1 and 1 more transcripts); c.609C>G, p.Asp203Glu (NM_001318832.2); c.666C>G, p.Asp222Glu (NM_001406667.1, NM_001406668.1); c.519C>G, p.Asp173Glu (NM_001406677.1); c.-241C>G (NM_001406680.1, NM_001406683.1, NM_001406687.1); c.114C>G, p.Asp38Glu (NM_001406681.1); and 6 more; short protein forms D143E, D155E, D192E, D38E, D203E, D173E, D222E.
Identifiers: ClinVar variation 3009594 (VCV003009594.4), dbSNP rs761704292, ClinGen allele CA394309739.

ClinVar aggregate classification (germline): Uncertain significance. Review status: criteria provided, multiple submitters, no conflicts (2 of 4 stars). 2 submissions from 2 submitters: Uncertain significance (2). Last evaluated 2025-11-06.

Conditions:
Hereditary cancer-predisposing syndrome. Also called: Hereditary neoplastic syndrome; Hereditary Cancer Syndrome; Neoplastic Syndromes, Hereditary; Tumor predisposition. Identifiers: Orphanet 140162, MedGen C0027672, MeSH D009386, MONDO:0015356.
Tuberous sclerosis 2 (TSC2). Identifiers: Orphanet 805, MedGen C1860707, MONDO:0013199, OMIM 613254.

Submissions (2):

Labcorp Genetics (formerly Invitae), Labcorp
Classification: Uncertain significance for Tuberous sclerosis 2. Last evaluated: 2025-11-06. Review status: criteria provided, single submitter. Criteria: Invitae Variant Classification Sherloc (09022015). Collection method: clinical testing. Allele origin: germline.
Comment: This sequence change replaces aspartic acid, which is acidic and polar, with glutamic acid, which is acidic and polar, at codon 192 of the TSC2 protein (p.Asp192Glu). This variant is not present in population databases (gnomAD no frequency). This variant has not been reported in the literature in individuals affected with TSC2-related conditions. ClinVar contains an entry for this variant (Variation ID: 3009594). Invitae Evidence Modeling of protein sequence and biophysical properties (such as structural, functional, and spatial information, amino acid conservation, physicochemical variation, residue mobility, and thermodynamic stability) indicates that this missense variant is not expected to disrupt TSC2 protein function with a negative predictive value of 95%. In summary, the available evidence is currently insufficient to determine the role of this variant in disease. Therefore, it has been classified as a Variant of Uncertain Significance.

Ambry Genetics
Classification: Uncertain significance for Hereditary cancer-predisposing syndrome. Last evaluated: 2025-07-25. Review status: criteria provided, single submitter. Criteria: Ambry Variant Classification Scheme 2023. Collection method: clinical testing. Allele origin: germline.
Comment: The p.D192E variant (also known as c.576C>G), located in coding exon 5 of the TSC2 gene, results from a C to G substitution at nucleotide position 576. The aspartic acid at codon 192 is replaced by glutamic acid, an amino acid with highly similar properties. This amino acid position is conserved. In addition, this alteration is predicted to be tolerated by in silico analysis. Based on the available evidence, the clinical significance of this variant remains unclear.